The following is an entry in ClinVar:

NM_002778.4(PSAP):c.1322G>A (p.Ser441Asn)

Gene: PSAP (prosaposin; minus strand). Cytogenetic location: 10q22.1.
Variant type: single nucleotide variant.
Coding change: c.1322G>A on transcript NM_002778.4 (MANE Select); coding-DNA position 1322, G replaced by A.
Protein change: p.Ser441Asn; replaces serine 441 with asparagine.
Molecular consequence: missense variant.
Genome position (GRCh38, 1-based): chr10:71,819,493, C>T on the plus strand (G>A on the coding strand, the complement: PSAP is on the minus strand). VCF-style: chr10-71819493-C-T. GRCh37 (hg19) VCF-style: chr10-73579250-C-T.
Other names: c.1331G>A, p.Ser444Asn (NM_001042465.3); c.1328G>A, p.Ser443Asn (NM_001042466.3); short protein forms S441N, S443N, S444N.
Identifiers: ClinVar variation 991962 (VCV000991962.4), dbSNP rs540436494, ClinGen allele CA5547401.
Genomic context (GRCh38, chr10:71,819,493, plus strand): 5'-GCTGGCCTACCGCAGCCCAGCCCGGGGCGTACCTGCTTCTGGTAAGGGTCTGGCAGGAAG[C>T]TGCAGCCTTTCTCAAGAGCAGCCAGGATCTCCTGCTTGGTGCTGTTTTTCTCCAGGTTGC-3'
Protein context (NP_002769.1, residues 431-451): EILAALEKGC[Ser441Asn]FLPDPYQKQC

ClinVar aggregate classification (germline): Uncertain significance. Review status: criteria provided, single submitter (1 of 4 stars). 2 submissions from 2 submitters: Uncertain significance (1). 1 of the submissions does not count toward it. Last evaluated 2022-03-22.

Conditions:
Sphingolipid activator protein 1 deficiency. Also called: METACHROMATIC LEUKODYSTROPHY DUE TO CEREBROSIDE SULFATASE ACTIVATOR DEFICIENCY; Saposin B Deficiency; Metachromatic leukodystrophy due to saposin B deficiency. Identifiers: Orphanet 512, MedGen C0268262, MONDO:0009590, OMIM 249900.
Metachromatic leukodystrophy (MLD). Also called: METACHROMATIC LEUKOENCEPHALOPATHY; Arylsulfatase A Deficiency; SULFATIDE LIPIDOSIS; ARSA DEFICIENCY; CEREBROSIDE SULFATASE DEFICIENCY; Cerebral sclerosis diffuse metachromatic form. Identifiers: Orphanet 512, MedGen C0023522, MONDO:0018868, OMIM 250100.

Allele frequency attached by ClinVar (database versions not stated): gnomAD exomes below 0.00001 and 0.00001; ExAC 0.00001; gnomAD 0.00001; TOPMed 0.00001; 1000 Genomes Project 30x 0.00016; 1000 Genomes Project 0.00020.
gnomAD v4.1: 4 of 1,614,250 alleles (0.00025%); highest among the groups gnomAD compares: East Asian, 0.0089%; no homozygotes.

Submissions (2):

Labcorp Genetics (formerly Invitae), Labcorp
Classification: Uncertain significance for Sphingolipid activator protein 1 deficiency. Last evaluated: 2022-03-22. Review status: criteria provided, single submitter. Criteria: Invitae Variant Classification Sherloc (09022015). Collection method: clinical testing. Allele origin: germline.
Comment: This sequence change replaces serine, which is neutral and polar, with asparagine, which is neutral and polar, at codon 441 of the PSAP protein (p.Ser441Asn). This variant is present in population databases (rs540436494, gnomAD 0.01%). This variant has not been reported in the literature in individuals affected with PSAP-related conditions. ClinVar contains an entry for this variant (Variation ID: 991962). Algorithms developed to predict the effect of missense changes on protein structure and function are either unavailable or do not agree on the potential impact of this missense change (SIFT: "Not Available"; PolyPhen-2: "Benign"; Align-GVGD: "Not Available"). In summary, the available evidence is currently insufficient to determine the role of this variant in disease. Therefore, it has been classified as a Variant of Uncertain Significance.

Natera, Inc.
Classification: Uncertain significance for Metachromatic leukodystrophy. Last evaluated: 2020-04-11. Review status: no assertion criteria provided. Collection method: clinical testing. Allele origin: germline. Not counted in ClinVar's aggregate classification.